The following is an entry in ClinVar:

ClinVar aggregate classification (germline): Likely benign. Review status: criteria provided, multiple submitters, no conflicts (2 of 4 stars). 2 submissions from 2 submitters: Likely benign (2). Last evaluated 2026-07-01.

gnomAD v4.1: 19 of 1,613,884 alleles (0.0012%); highest among the groups gnomAD compares: African/African-American, 0.011%; no homozygotes.

Submissions (2):

CeGaT Center for Human Genetics Tuebingen
Classification: Likely benign. Last evaluated: 2026-07-01. Review status: criteria provided, single submitter. Criteria: CeGaT Center For Human Genetics Tuebingen Variant Classification Criteria Version 2. Collection method: clinical testing. Allele origin: germline. Affected: yes. Observed: 1 variant allele.
Comment: AASS: BP4, BP7

Labcorp Genetics (formerly Invitae), Labcorp
Classification: Likely benign. Last evaluated: 2025-12-21. Review status: criteria provided, single submitter. Criteria: Invitae Variant Classification Sherloc (09022015). Collection method: clinical testing. Allele origin: germline.

NM_005763.4(AASS):c.864G>A (p.Pro288=)

Gene: AASS (aminoadipate-semialdehyde synthase; minus strand). Cytogenetic location: 7q31.32.
Variant type: single nucleotide variant.
Coding change: c.864G>A on transcript NM_005763.4 (MANE Select); coding-DNA position 864, G replaced by A.
Protein change: p.Pro288=; no amino-acid change (proline 288 retained).
Molecular consequence: synonymous variant.
Genome position (GRCh38, 1-based): chr7:122,116,663, C>T on the plus strand (G>A on the coding strand, the complement: AASS is on the minus strand). VCF-style: chr7-122116663-C-T. GRCh37 (hg19) VCF-style: chr7-121756717-C-T.
Identifiers: ClinVar variation 4695389 (VCV004695389.2).